The following is an entry in ClinVar:

NM_053025.4(MYLK):c.3985+14C>A

Gene: MYLK (myosin light chain kinase; minus strand). Cytogenetic location: 3q21.1.
Variant type: single nucleotide variant.
Coding change: c.3985+14C>A on transcript NM_053025.4 (MANE Select); 14 bases into the intron after coding-DNA position 3985, C replaced by A.
Molecular consequence: intron variant.
Genome position (GRCh38, 1-based): chr3:123,664,091, G>T on the plus strand (C>A on the coding strand, the complement: MYLK is on the minus strand). VCF-style: chr3-123664091-G-T. GRCh37 (hg19) VCF-style: chr3-123382938-G-T.
Other names: c.3457+14C>A (NM_001321309.2); c.3778+14C>A (NM_053028.4, NM_053026.4); c.3985+14C>A (NM_053027.4).
Identifiers: ClinVar variation 509308 (VCV000509308.5), dbSNP rs370132689, ClinGen allele CA070643.
Genomic context (GRCh38, chr3:123,664,091, plus strand): 5'-CCCACGTATCTTGCCTGGGGGCTCCCTGCCTTCCCCTTGCCCCAAGCTCCATGCCACCCA[G>T]CCACCAGACTCACCCACGACAGTGAGGTTGACCTGGGCCTGCCTGCTGCCCAGCTTGTTC-3'

ClinVar aggregate classification (germline): Likely benign. Review status: criteria provided, multiple submitters, no conflicts (2 of 4 stars). 2 submissions from 2 submitters: Likely benign (2). Last evaluated 2025-08-11.

Conditions:
Aortic aneurysm, familial thoracic 7 (AAT7). Also called: AORTIC DISSECTION, FAMILIAL, WITH OR WITHOUT AORTIC ANEURYSM. Identifiers: MedGen C3151077, MONDO:0013418, OMIM 613780.

Allele frequency attached by ClinVar (database versions not stated): ExAC 0.00001; gnomAD 0.00001; gnomAD exomes 0.00001; TOPMed 0.00001; ESP Exome Variant Server 0.00008.
gnomAD v4.1: 12 of 1,613,694 alleles (0.00074%); highest among the groups gnomAD compares: African/African-American, 0.0013%; no homozygotes.

Submissions (2):

Labcorp Genetics (formerly Invitae), Labcorp
Classification: Likely benign for Aortic aneurysm, familial thoracic 7. Last evaluated: 2025-08-11. Review status: criteria provided, single submitter. Criteria: Invitae Variant Classification Sherloc (09022015). Collection method: clinical testing. Allele origin: germline.

GeneDx
Classification: Likely benign. Last evaluated: 2017-05-19. Review status: criteria provided, single submitter. Criteria: GeneDx Variant Classification (06012015). Collection method: clinical testing. Allele origin: germline. Affected: yes.
Comment: This variant is considered likely benign or benign based on one or more of the following criteria: it is a conservative change, it occurs at a poorly conserved position in the protein, it is predicted to be benign by multiple in silico algorithms, and/or has population frequency not consistent with disease.